The following is an entry in ClinVar:

NM_000583.4(GC):c.1322_1323insTG (p.Val442fs)

Gene: GC (GC vitamin D binding protein; minus strand). Cytogenetic location: 4q13.3.
Variant type: Insertion.
Coding change: c.1322_1323insTG on transcript NM_000583.4 (MANE Select); coding-DNA positions 1322 to 1323, TG inserted.
Protein change: p.Val442fs; shifts the reading frame from valine 442.
Molecular consequence: frameshift variant.
Genome position: GRCh38 VCF-style: chr4-71752590-C-CCA. GRCh37 (hg19) VCF-style: chr4-72618307-C-CCA.
Other names: c.1322_1323insTG, p.Val442fs (NM_001204306.1); c.1379_1380insTG, p.Val461fs (NM_001204307.1); short protein forms V442fs, V461fs.
Identifiers: ClinVar variation 3336642 (VCV003336642.1).

ClinVar aggregate classification (germline): no classifications from unflagged records (0 of 4 stars; one submission).

Conditions:
Chronic obstructive pulmonary disease. Also called: Chronic pulmonary obstruction. Identifiers: MedGen C0024117, MeSH D029424, MONDO:0005002, OMIM 606963, HP:0006510.

Submission:

Dr Mariam's Lab, University of the Punjab
Classification: Likely pathogenic for Chronic obstructive pulmonary disease. Review status: flagged submission. Collection method: case-control. Allele origin: germline. Affected: yes.
ClinVar note: Notes: This phenotype is not a monogenic disease. The terms P/LP are not appropriate.
ClinVar note: Reason: Other